The following is an entry in ClinVar:

ClinVar aggregate classification (germline): Uncertain significance (0 of 4 stars; one submission).

Conditions:
RAI1-related disorder. Also called: RAI1-related condition.

Submission:

PreventionGenetics, part of Exact Sciences
Classification: Uncertain significance for RAI1-related condition. Last evaluated: 2024-05-15. Review status: no assertion criteria provided. Collection method: clinical testing. Allele origin: germline.
Comment: The RAI1 c.2794G>C variant is predicted to result in the amino acid substitution p.Val932Leu. To our knowledge, this variant has not been reported in the literature or in a large population database, indicating this variant is rare. At this time, the clinical significance of this variant is uncertain due to the absence of conclusive functional and genetic evidence.

NM_030665.4(RAI1):c.2794G>C (p.Val932Leu)

Gene: RAI1 (retinoic acid induced 1; plus strand). Cytogenetic location: 17p11.2.
Variant type: single nucleotide variant.
Coding change: c.2794G>C on transcript NM_030665.4 (MANE Select); coding-DNA position 2794, G replaced by C.
Protein change: p.Val932Leu; replaces valine 932 with leucine.
Molecular consequence: missense variant.
Genome position (GRCh38, 1-based): chr17:17,795,742, G>C. VCF-style: chr17-17795742-G-C. GRCh37 (hg19) VCF-style: chr17-17699056-G-C.
Other names: short protein forms V932L.
Identifiers: ClinVar variation 3345019 (VCV003345019.1).